The following is an entry in ClinVar:

ClinVar aggregate classification (germline): Benign. Review status: criteria provided, multiple submitters, no conflicts (2 of 4 stars). 2 submissions from 2 submitters: Benign (2). Last evaluated 2018-01-13.

Conditions:
Congenital brain dysgenesis due to glutamine synthetase deficiency (GLND). Also called: GLUTAMINE SYNTHASE DEFICIENCY, CONGENITAL SYSTEMIC. Identifiers: Orphanet 71278, MedGen C1864910, MONDO:0012393, OMIM 610015.

Allele frequency attached by ClinVar (database versions not stated): gnomAD 0.01462 and 0.01464; 1000 Genomes Project 0.01098; TOPMed 0.01853; 1000 Genomes Project 30x 0.01109; gnomAD exomes 0.01395.
gnomAD v4.1: 5,674 of 399,164 alleles (1.4%); highest among the groups gnomAD compares: Admixed American, 7%; 120 homozygotes.

Submissions (2):

Illumina Laboratory Services, Illumina
Classification: Benign for Congenital brain dysgenesis due to glutamine synthetase deficiency. Last evaluated: 2018-01-13. Review status: criteria provided, single submitter. Criteria: ICSL Variant Classification Criteria 13 December 2019. Collection method: clinical testing. Allele origin: germline.
Comment: This variant was observed in the ICSL laboratory as part of a predisposition screen in an ostensibly healthy population. It had not been previously curated by ICSL or reported in the Human Gene Mutation Database (HGMD: prior to June 1st, 2018), and was therefore a candidate for classification through an automated scoring system. Utilizing variant allele frequency, disease prevalence and penetrance estimates, and inheritance mode, an automated score was calculated to assess if this variant is too frequent to cause the disease. Based on the score and internal cut-off values, a variant classified as benign is not then subjected to further curation. The score for this variant resulted in a classification of benign for this disease.

Breakthrough Genomics
Classification: Benign. Review status: criteria provided, single submitter. Criteria: ACMG Guidelines, 2015. Collection method: not provided. Allele origin: germline. Inheritance: Autosomal recessive inheritance. Affected: yes.

NM_001033044.4(GLUL):c.-14+1136G>T

Gene: GLUL (glutamate-ammonia ligase; minus strand). Cytogenetic location: 1q25.3.
Variant type: single nucleotide variant.
Coding change: c.-14+1136G>T on transcript NM_001033044.4 (MANE Select); 1136 bases into the intron after 14 bases upstream of the start codon, G replaced by T.
Molecular consequence: intron variant. On other transcripts: 5 prime UTR variant (1).
Genome position (GRCh38, 1-based): chr1:182,390,543, C>A on the plus strand (G>T on the coding strand, the complement: GLUL is on the minus strand). VCF-style: chr1-182390543-C-A. GRCh37 (hg19) VCF-style: chr1-182359678-C-A.
Other names: c.-60G>T (NM_002065.7); c.-14+632G>T (NM_001033056.4).
Identifiers: ClinVar variation 293950 (VCV000293950.6), dbSNP rs4110992, ClinGen allele CA10608384.
Genomic context (GRCh38, chr1:182,390,543, plus strand): 5'-GCCCCCTCACTCACCCCAGCCACAGAAAGTCAAGCGTATCGTTAGGGTTGCCCTCTTTAA[C>A]CCTTCTCTTTTTGGAGTGGCGTTCGCGCCTCTCCTCTTTCTCAGACTCTAGCTGGTCCAA-3'